The following is an entry in ClinVar:

ClinVar aggregate classification (germline): Uncertain significance (1 of 4 stars; one submission).

Conditions:
Multiple endocrine neoplasia, type 1 (MEN1). Also called: MEA I; MEN I; WERMER SYNDROME; Endocrine adenomatosis multiple; MEN 1. Identifiers: Orphanet 652, MedGen C0025267, MeSH D018761, MONDO:0007540, OMIM 131100.

Submission:

Labcorp Genetics (formerly Invitae), Labcorp
Classification: Uncertain significance for Multiple endocrine neoplasia, type 1. Last evaluated: 2022-07-21. Review status: criteria provided, single submitter. Criteria: Invitae Variant Classification Sherloc (09022015). Collection method: clinical testing. Allele origin: germline.
Comment: In summary, the available evidence is currently insufficient to determine the role of this variant in disease. Therefore, it has been classified as a Variant of Uncertain Significance. Advanced modeling of protein sequence and biophysical properties (such as structural, functional, and spatial information, amino acid conservation, physicochemical variation, residue mobility, and thermodynamic stability) performed at Invitae indicates that this missense variant is expected to disrupt MEN1 protein function. This variant has not been reported in the literature in individuals affected with MEN1-related conditions. This variant is not present in population databases (gnomAD no frequency). This sequence change replaces methionine, which is neutral and non-polar, with valine, which is neutral and non-polar, at codon 234 of the MEN1 protein (p.Met234Val).

NM_001370259.2(MEN1):c.700A>G (p.Met234Val)

Gene: MEN1 (menin 1; minus strand). Cytogenetic location: 11q13.1.
Variant type: single nucleotide variant.
Coding change: c.700A>G on transcript NM_001370259.2 (MANE Select); coding-DNA position 700, A replaced by G.
Protein change: p.Met234Val; replaces methionine 234 with valine.
Molecular consequence: missense variant.
Genome position (GRCh38, 1-based): chr11:64,807,635, T>C on the plus strand (A>G on the coding strand, the complement: MEN1 is on the minus strand). VCF-style: chr11-64807635-T-C. GRCh37 (hg19) VCF-style: chr11-64575107-T-C.
Other names: c.715A>G, p.Met239Val (NM_000244.4, NM_001407150.1, NM_130800.3 and 5 more transcripts); c.700A>G, p.Met234Val (NM_001370251.2, NM_001370260.2, NM_001407152.1 and 7 more transcripts); c.595A>G, p.Met199Val (NM_001407149.1, NM_001407151.1, NM_001370262.2 and 2 more transcripts); short protein forms M199V, M234V, M239V.
Identifiers: ClinVar variation 1949187 (VCV001949187.5), dbSNP rs1296948476, ClinGen allele CA381184602.
Genomic context (GRCh38, chr11:64,807,635, plus strand): 5'-GCGAGTCGGTGTGCAGGTCAATGGAAGGGTTGATGGCACACACCATGAACGCCACCTCCA[T>C]CTTGCGGTCACAGCGCATGTATGATCCTTTCAGGTACAGCCAGCTCTTAGGGGGGGATGA-3'
Protein context (NP_001357188.2, residues 224-244): KGSYMRCDRK[Met234Val]EVAFMVCAIN